The following is an entry in ClinVar:

ClinVar aggregate classification (germline): Uncertain significance (1 of 4 stars; one submission).

gnomAD v4.1: 5 of 1,614,152 alleles (0.00031%); highest among the groups gnomAD compares: Non-Finnish European, 0.00042%; no homozygotes.

Submission:

GeneDx
Classification: Uncertain significance. Last evaluated: 2025-06-17. Review status: criteria provided, single submitter. Criteria: GeneDx Variant Classification Process June 2021. Collection method: clinical testing. Allele origin: germline. Affected: yes.
Comment: Not observed at significant frequency in large population cohorts (gnomAD); In silico analysis supports that this missense variant has a deleterious effect on protein structure/function; Has not been previously published as pathogenic or benign to our knowledge

NM_015057.5(MYCBP2):c.12373G>A (p.Gly4125Arg)

Gene: MYCBP2 (MYC binding protein 2; minus strand). Cytogenetic location: 13q22.3.
Variant type: single nucleotide variant.
Coding change: c.12373G>A on transcript NM_015057.5 (MANE Select); coding-DNA position 12373, G replaced by A.
Protein change: p.Gly4125Arg; replaces glycine 4125 with arginine.
Molecular consequence: missense variant.
Genome position (GRCh38, 1-based): chr13:77,067,663, C>T on the plus strand (G>A on the coding strand, the complement: MYCBP2 is on the minus strand). VCF-style: chr13-77067663-C-T. GRCh37 (hg19) VCF-style: chr13-77641798-C-T.
Other names: short protein forms G4125R.
Identifiers: ClinVar variation 4540107 (VCV004540107.1).